The following is an entry in ClinVar:

NM_153240.5(NPHP3):c.2675C>T (p.Ser892Phe)

Genes: NPHP3 (nephrocystin 3; minus strand), NPHP3-ACAD11 (NPHP3-ACAD11 readthrough (NMD candidate); minus strand). Cytogenetic location: 3q22.1.
Variant type: single nucleotide variant.
Coding change: c.2675C>T on transcript NM_153240.5 (MANE Select); coding-DNA position 2675, C replaced by T.
Protein change: p.Ser892Phe; replaces serine 892 with phenylalanine.
Molecular consequence: missense variant. On other transcripts: non-coding transcript variant (1).
Genome position (GRCh38, 1-based): chr3:132,690,546, G>A on the plus strand (C>T on the coding strand, the complement: NPHP3 is on the minus strand). VCF-style: chr3-132690546-G-A. GRCh37 (hg19) VCF-style: chr3-132409390-G-A.
Other names: short protein forms S892F.
Identifiers: ClinVar variation 1717932 (VCV001717932.6), dbSNP rs1375679387, ClinGen allele CA354580752.

ClinVar aggregate classification (germline): Uncertain significance (1 of 4 stars; one submission).

Conditions:
Nephronophthisis. Also called: Juvenile Nephronophthisis. Identifiers: Orphanet 655, MedGen C0687120, MONDO:0019005, HP:0000090.

gnomAD v4.1: 1 of 1,613,318 alleles (0.000062%); highest among the groups gnomAD compares: Non-Finnish European, 0.000085%; no homozygotes.

Submission:

Labcorp Genetics (formerly Invitae), Labcorp
Classification: Uncertain significance for Nephronophthisis. Last evaluated: 2022-10-25. Review status: criteria provided, single submitter. Criteria: Invitae Variant Classification Sherloc (09022015). Collection method: clinical testing. Allele origin: germline.
Comment: This variant has not been reported in the literature in individuals affected with NPHP3-related conditions. This sequence change replaces serine, which is neutral and polar, with phenylalanine, which is neutral and non-polar, at codon 892 of the NPHP3 protein (p.Ser892Phe). This variant is not present in population databases (gnomAD no frequency). Advanced modeling of protein sequence and biophysical properties (such as structural, functional, and spatial information, amino acid conservation, physicochemical variation, residue mobility, and thermodynamic stability) has been performed at Invitae for this missense variant, however the output from this modeling did not meet the statistical confidence thresholds required to predict the impact of this variant on NPHP3 protein function. In summary, the available evidence is currently insufficient to determine the role of this variant in disease. Therefore, it has been classified as a Variant of Uncertain Significance.